The following is an entry in ClinVar:

ClinVar aggregate classification (germline): Uncertain significance (1 of 4 stars; one submission).

Submission:

Labcorp Genetics (formerly Invitae), Labcorp
Classification: Uncertain significance. Last evaluated: 2022-06-08. Review status: criteria provided, single submitter. Criteria: Invitae Variant Classification Sherloc (09022015). Collection method: clinical testing. Allele origin: germline.
Comment: This sequence change replaces alanine, which is neutral and non-polar, with threonine, which is neutral and polar, at codon 467 of the PMPCB protein (p.Ala467Thr). In summary, the available evidence is currently insufficient to determine the role of this variant in disease. Therefore, it has been classified as a Variant of Uncertain Significance. Algorithms developed to predict the effect of missense changes on protein structure and function are either unavailable or do not agree on the potential impact of this missense change (SIFT: "Deleterious"; PolyPhen-2: "Benign"; Align-GVGD: "Class C0"). This variant has not been reported in the literature in individuals affected with PMPCB-related conditions. This variant is not present in population databases (gnomAD no frequency).

NM_004279.3(PMPCB):c.1399G>A (p.Ala467Thr)

Gene: PMPCB (peptidase, mitochondrial processing subunit beta; plus strand). Cytogenetic location: 7q22.1.
Variant type: single nucleotide variant.
Coding change: c.1399G>A on transcript NM_004279.3 (MANE Select); coding-DNA position 1399, G replaced by A.
Protein change: p.Ala467Thr; replaces alanine 467 with threonine.
Molecular consequence: missense variant.
Genome position (GRCh38, 1-based): chr7:103,312,125, G>A. VCF-style: chr7-103312125-G-A. GRCh37 (hg19) VCF-style: chr7-102952572-G-A.
Other names: short protein forms A467T.
Identifiers: ClinVar variation 2003297 (VCV002003297.4), dbSNP rs2484902905, ClinGen allele CA368739870.